The following is an entry in ClinVar:

ClinVar aggregate classification (germline): Uncertain significance (1 of 4 stars; one submission).

Submission:

Labcorp Genetics (formerly Invitae), Labcorp
Classification: Uncertain significance. Last evaluated: 2022-07-18. Review status: criteria provided, single submitter. Criteria: Invitae Variant Classification Sherloc (09022015). Collection method: clinical testing. Allele origin: germline.
Comment: In summary, the available evidence is currently insufficient to determine the role of this variant in disease. Therefore, it has been classified as a Variant of Uncertain Significance. Algorithms developed to predict the effect of missense changes on protein structure and function are either unavailable or do not agree on the potential impact of this missense change (SIFT: "Deleterious"; PolyPhen-2: "Probably Damaging"; Align-GVGD: "Class C0"). ClinVar contains an entry for this variant (Variation ID: 1492424). This variant has not been reported in the literature in individuals affected with MSH3-related conditions. This variant is not present in population databases (gnomAD no frequency). This sequence change replaces threonine, which is neutral and polar, with asparagine, which is neutral and polar, at codon 1009 of the MSH3 protein (p.Thr1009Asn).

NM_002439.5(MSH3):c.3026C>A (p.Thr1009Asn)

Gene: MSH3 (mutS homolog 3; plus strand). Cytogenetic location: 5q14.1.
Variant type: single nucleotide variant.
Coding change: c.3026C>A on transcript NM_002439.5 (MANE Select); coding-DNA position 3026, C replaced by A.
Protein change: p.Thr1009Asn; replaces threonine 1009 with asparagine.
Molecular consequence: missense variant.
Genome position (GRCh38, 1-based): chr5:80,864,838, C>A. VCF-style: chr5-80864838-C-A. GRCh37 (hg19) VCF-style: chr5-80160657-C-A.
Other names: short protein forms T1009N.
Identifiers: ClinVar variation 1492424 (VCV001492424.8), dbSNP rs2112118369, ClinGen allele CA360346123.
Genomic context (GRCh38, chr5:80,864,838, plus strand): 5'-AATGAAATAACATTTATTCTGTCTTATTGCTTTAGGTGAAATCCTTAACCCTGTTTGTCA[C>A]CCATTATCCGCCAGTTTGTGAACTAGAAAAAAATTACTCACACCAGGTGGGGAATTACCA-3'
Protein context (NP_002430.3, residues 999-1019): RDVKSLTLFV[Thr1009Asn]HYPPVCELEK